The following is an entry in ClinVar:

ClinVar aggregate classification (germline): Uncertain significance (1 of 4 stars; one submission).

Conditions:
Parathyroid carcinoma (PRTC). Also called: Parathyroid gland carcinoma; CDC73-Related Parathyroid Carcinoma. Identifiers: Orphanet 143, MedGen C0687150, MONDO:0012004, OMIM 608266, HP:0006780.

Submission:

Labcorp Genetics (formerly Invitae), Labcorp
Classification: Uncertain significance for Parathyroid carcinoma. Last evaluated: 2021-09-15. Review status: criteria provided, single submitter. Criteria: Invitae Variant Classification Sherloc (09022015). Collection method: clinical testing. Allele origin: germline.
Comment: Algorithms developed to predict the effect of missense changes on protein structure and function are either unavailable or do not agree on the potential impact of this missense change (SIFT: "Deleterious"; PolyPhen-2: "Possibly Damaging"; Align-GVGD: "Class C0"). In summary, the available evidence is currently insufficient to determine the role of this variant in disease. Therefore, it has been classified as a Variant of Uncertain Significance. This variant has not been reported in the literature in individuals affected with CDC73-related conditions. This variant is not present in population databases (ExAC no frequency). This sequence change replaces proline with histidine at codon 278 of the CDC73 protein (p.Pro278His). The proline residue is moderately conserved and there is a moderate physicochemical difference between proline and histidine.

NM_024529.5(CDC73):c.833C>A (p.Pro278His)

Gene: CDC73 (cell division cycle 73; plus strand). Cytogenetic location: 1q31.2.
Variant type: single nucleotide variant.
Coding change: c.833C>A on transcript NM_024529.5 (MANE Select); coding-DNA position 833, C replaced by A.
Protein change: p.Pro278His; replaces proline 278 with histidine.
Molecular consequence: missense variant.
Genome position (GRCh38, 1-based): chr1:193,150,308, C>A. VCF-style: chr1-193150308-C-A. GRCh37 (hg19) VCF-style: chr1-193119438-C-A.
Other names: short protein forms P278H.
Identifiers: ClinVar variation 1495283 (VCV001495283.6), dbSNP rs1676083095, ClinGen allele CA343964859.